The following is an entry in ClinVar:

ClinVar aggregate classification (germline): Uncertain significance. Review status: criteria provided, multiple submitters, no conflicts (2 of 4 stars). 2 submissions from 2 submitters: Uncertain significance (2). Last evaluated 2024-09-10.

Conditions:
Hereditary cancer-predisposing syndrome. Also called: Neoplastic Syndromes, Hereditary; Tumor predisposition; Hereditary neoplastic syndrome; Hereditary Cancer Syndrome. Identifiers: Orphanet 140162, MedGen C0027672, MeSH D009386, MONDO:0015356.

Allele frequency attached by ClinVar (database versions not stated): gnomAD 0.00001.
gnomAD v4.1: 1 of 1,613,202 alleles (0.000062%); highest among the groups gnomAD compares: African/African-American, 0.0013%; no homozygotes.

Submissions (2):

Ambry Genetics
Classification: Uncertain significance for Hereditary cancer-predisposing syndrome. Last evaluated: 2024-09-10. Review status: criteria provided, single submitter. Criteria: Ambry Variant Classification Scheme 2023. Collection method: clinical testing. Allele origin: germline.
Comment: The p.V134A variant (also known as c.401T>C), located in coding exon 5 of the POLE gene, results from a T to C substitution at nucleotide position 401. The valine at codon 134 is replaced by alanine, an amino acid with similar properties. This amino acid position is conserved. In addition, this alteration is predicted to be tolerated by in silico analysis. Based on the available evidence, the clinical significance of this variant remains unclear.

Labcorp Genetics (formerly Invitae), Labcorp
Classification: Uncertain significance. Last evaluated: 2022-08-08. Review status: criteria provided, single submitter. Criteria: Invitae Variant Classification Sherloc (09022015). Collection method: clinical testing. Allele origin: germline.
Comment: This sequence change replaces valine, which is neutral and non-polar, with alanine, which is neutral and non-polar, at codon 134 of the POLE protein (p.Val134Ala). In summary, the available evidence is currently insufficient to determine the role of this variant in disease. Therefore, it has been classified as a Variant of Uncertain Significance. Algorithms developed to predict the effect of missense changes on protein structure and function are either unavailable or do not agree on the potential impact of this missense change (SIFT: "Deleterious"; PolyPhen-2: "Possibly Damaging"; Align-GVGD: "Class C0"). ClinVar contains an entry for this variant (Variation ID: 1354768). This variant has not been reported in the literature in individuals affected with POLE-related conditions. This variant is not present in population databases (gnomAD no frequency).

NM_006231.4(POLE):c.401T>C (p.Val134Ala)

Gene: POLE (DNA polymerase epsilon, catalytic subunit; minus strand). Cytogenetic location: 12q24.33.
Variant type: single nucleotide variant.
Coding change: c.401T>C on transcript NM_006231.4 (MANE Select); coding-DNA position 401, T replaced by C.
Protein change: p.Val134Ala; replaces valine 134 with alanine.
Molecular consequence: missense variant.
Genome position (GRCh38, 1-based): chr12:132,679,976, A>G on the plus strand (T>C on the coding strand, the complement: POLE is on the minus strand). VCF-style: chr12-132679976-A-G. GRCh37 (hg19) VCF-style: chr12-133256562-A-G.
Other names: c.401T>C (NM_006231.2); short protein forms V134A.
Identifiers: ClinVar variation 1354768 (VCV001354768.9), dbSNP rs2043133865, ClinGen allele CA387368042.